The following is an entry in ClinVar:

ClinVar aggregate classification (germline): Likely pathogenic (1 of 4 stars; one submission).

Conditions:
Dilated cardiomyopathy 1G (CMD1G). Identifiers: Orphanet 154, MedGen C1858763, MONDO:0011400, OMIM 604145.
Autosomal recessive limb-girdle muscular dystrophy type 2J (LGMDR10). Also called: Limb-girdle muscular dystrophy, type 2J; MUSCULAR DYSTROPHY, LIMB-GIRDLE, AUTOSOMAL RECESSIVE 10. Identifiers: Orphanet 140922, MedGen C1837342, MONDO:0012127, OMIM 608807.

Submission:

Labcorp Genetics (formerly Invitae), Labcorp
Classification: Likely pathogenic for Dilated cardiomyopathy 1G; Autosomal recessive limb-girdle muscular dystrophy type 2J. Last evaluated: 2020-01-11. Review status: criteria provided, single submitter. Criteria: Invitae Variant Classification Sherloc (09022015). Collection method: clinical testing. Allele origin: germline.
Comment: In summary, the currently available evidence indicates that the variant is pathogenic, but additional data are needed to prove that conclusively. Therefore, this variant has been classified as Likely Pathogenic. This variant is located in the A band of TTN (PMID: 25589632). Truncating variants in this region are significantly overrepresented in patients affected with dilated cardiomyopathy (PMID: 25589632). Truncating variants in this region have also been reported in individuals affected with autosomal recessive centronuclear myopathy (PMID: 23975875). This variant has not been reported in the literature in individuals with TTN-related conditions. This variant is not present in population databases (ExAC no frequency). This sequence change results in a premature translational stop signal in the TTN gene (p.Pro25409Glnfs*7). While this is not anticipated to result in nonsense mediated decay, it is expected to create a truncated TTN protein.

Literature cited by the submitters: PubMed 25589632; PubMed 23975875.

NM_001267550.2(TTN):c.76226del (p.Pro25409fs)

Genes: TTN-AS1 (TTN antisense RNA 1; plus strand), TTN (titin; minus strand). Cytogenetic location: 2q31.2.
Variant type: Deletion.
Coding change: c.76226del on transcript NM_001267550.2 (MANE Select); coding-DNA position 76226, one base deleted (C; older notation c.76226delC).
Protein change: p.Pro25409fs; shifts the reading frame from proline 25409.
Molecular consequence: frameshift variant.
Genome position (GRCh38, 1-based): chr2:178,569,906, G deleted on the plus strand (C on the coding strand, the reverse complement: TTN is on the minus strand); the first of 5 consecutive G bases (chr2:178,569,906-178,569,910); deleting any one gives the same sequence. VCF-style (leftmost placement, unchanged base first): chr2-178569905-TG-T. GRCh37 (hg19) VCF-style: chr2-179434632-TG-T.
Other names: c.71303del, p.Pro23768fs (NM_001256850.1); c.49031del, p.Pro16344fs (NM_003319.4); c.68522del, p.Pro22841fs (NM_133378.4); c.49406del, p.Pro16469fs (NM_133432.3); c.49607del, p.Pro16536fs (NM_133437.4); short protein forms P16344fs, P16469fs, P16536fs, P22841fs, P23768fs, P25409fs.
Identifiers: ClinVar variation 1067060 (VCV001067060.11), dbSNP rs2154168142, ClinGen allele CA2499215359.
Genomic context (GRCh38, chr2:178,569,905, plus strand): 5'-TGGTTTGCTCCAAGAAAGGAATACTGAAGATCTGGTTATGTCTATGACTTTGGGGTTGTT[TG>T]GGGGTCCTGGTTTATAAATAGGATCACAAGCCTTTTGGTAAGCAGAAGGAGGGCTTGGTT-3'